The following is an entry in ClinVar:

ClinVar aggregate classification (germline): Uncertain significance. Review status: criteria provided, multiple submitters, no conflicts (2 of 4 stars). 2 submissions from 2 submitters: Uncertain significance (2). Last evaluated 2025-06-23.

Conditions:
Cardiomyopathy (CMYO). Also called: Cardiomyopathies. Identifiers: Orphanet 167848, MedGen C0878544, MONDO:0004994, HP:0001638. Inheritance: Various modes of inheritance.
Catecholaminergic polymorphic ventricular tachycardia 1. Also called: VENTRICULAR TACHYCARDIA, CATECHOLAMINERGIC POLYMORPHIC, 1, WITH OR WITHOUT ATRIAL DYSFUNCTION AND/OR DILATED CARDIOMYOPATHY; VENTRICULAR TACHYCARDIA, STRESS-INDUCED POLYMORPHIC 1; RYR2-Related Catecholaminergic Polymorphic Ventricular Tachycardia. Identifiers: Orphanet 3286, MedGen C1631597, MONDO:0011484, OMIM 604772.

Submissions (2):

Color Diagnostics, LLC DBA Color Health
Classification: Uncertain significance for Cardiomyopathy. Last evaluated: 2025-06-23. Review status: criteria provided, single submitter. Criteria: ACMG Guidelines, 2015. Collection method: clinical testing. Allele origin: germline.
Comment: This missense variant replaces threonine with lysine at codon 1464 of the RYR2 protein. Computational prediction suggests that this variant may not impact protein structure and function. To our knowledge, functional studies have not been reported for this variant. This variant has not been reported in individuals affected with RYR2-related disorders in the literature. This variant has not been identified in the general population by the Genome Aggregation Database (gnomAD). The available evidence is insufficient to determine the role of this variant in disease conclusively. Therefore, this variant is classified as a Variant of Uncertain Significance.

Labcorp Genetics (formerly Invitae), Labcorp
Classification: Uncertain significance for Catecholaminergic polymorphic ventricular tachycardia 1. Last evaluated: 2024-12-18. Review status: criteria provided, single submitter. Criteria: Invitae Variant Classification Sherloc (09022015). Collection method: clinical testing. Allele origin: germline.
Comment: This sequence change replaces threonine, which is neutral and polar, with lysine, which is basic and polar, at codon 1464 of the RYR2 protein (p.Thr1464Lys). This variant is not present in population databases (gnomAD no frequency). This variant has not been reported in the literature in individuals affected with RYR2-related conditions. ClinVar contains an entry for this variant (Variation ID: 1492282). Invitae Evidence Modeling of protein sequence and biophysical properties (such as structural, functional, and spatial information, amino acid conservation, physicochemical variation, residue mobility, and thermodynamic stability) indicates that this missense variant is not expected to disrupt RYR2 protein function with a negative predictive value of 95%. In summary, the available evidence is currently insufficient to determine the role of this variant in disease. Therefore, it has been classified as a Variant of Uncertain Significance.

NM_001035.3(RYR2):c.4391C>A (p.Thr1464Lys)

Gene: RYR2 (ryanodine receptor 2; plus strand). Cytogenetic location: 1q43.
Variant type: single nucleotide variant.
Coding change: c.4391C>A on transcript NM_001035.3 (MANE Select); coding-DNA position 4391, C replaced by A.
Protein change: p.Thr1464Lys; replaces threonine 1464 with lysine.
Molecular consequence: missense variant.
Genome position (GRCh38, 1-based): chr1:237,593,591, C>A. VCF-style: chr1-237593591-C-A. GRCh37 (hg19) VCF-style: chr1-237756891-C-A.
Other names: short protein forms T1464K.
Identifiers: ClinVar variation 1492282 (VCV001492282.10), dbSNP rs1010452511, ClinGen allele CA345399928.